The following is an entry in ClinVar:

NM_015466.4(PTPN23):c.3498_3499delinsAT (p.His1167Tyr)

Gene: PTPN23 (protein tyrosine phosphatase non-receptor type 23; plus strand). Cytogenetic location: 3p21.31.
Variant type: Indel.
Coding change: c.3498_3499delinsAT on transcript NM_015466.4 (MANE Select); coding-DNA positions 3498 to 3499, GC replaced by AT.
Protein change: p.His1167Tyr; replaces histidine 1167 with tyrosine.
Molecular consequence: missense variant.
Genome position (GRCh38, 1-based): chr3:47,411,296-47,411,297, GC replaced by AT. VCF-style: chr3-47411296-GC-AT. GRCh37 (hg19) VCF-style: chr3-47452786-GC-AT.
Other names: c.3120_3121delinsAT, p.His1041Tyr (NM_001304482.2); short protein forms H1167Y, H1041Y.
Identifiers: ClinVar variation 1442053 (VCV001442053.4), dbSNP rs2107724984, ClinGen allele CA2573137070.

ClinVar aggregate classification (germline): Uncertain significance (1 of 4 stars; one submission).

Submission:

Labcorp Genetics (formerly Invitae), Labcorp
Classification: Uncertain significance. Last evaluated: 2024-10-23. Review status: criteria provided, single submitter. Criteria: Invitae Variant Classification Sherloc (09022015). Collection method: clinical testing. Allele origin: germline.
Comment: This sequence change replaces histidine, which is basic and polar, with tyrosine, which is neutral and polar, at codon 1167 of the PTPN23 protein (p.His1167Tyr). Information on the frequency of this variant in the gnomAD database is not available, as this variant may be reported differently in the database. This variant has not been reported in the literature in individuals affected with PTPN23-related conditions. ClinVar contains an entry for this variant (Variation ID: 1442053). Experimental studies and prediction algorithms are not available or were not evaluated, and the functional significance of this variant is currently unknown. In summary, the available evidence is currently insufficient to determine the role of this variant in disease. Therefore, it has been classified as a Variant of Uncertain Significance.